The following is an entry in ClinVar:

ClinVar aggregate classification (germline): Uncertain significance (1 of 4 stars; one submission).

gnomAD v4.1: 10 of 1,612,610 alleles (0.00062%); highest among the groups gnomAD compares: South Asian, 0.0044%; no homozygotes.

Submission:

GeneDx
Classification: Uncertain significance. Last evaluated: 2024-04-06. Review status: criteria provided, single submitter. Criteria: GeneDx Variant Classification Process June 2021. Collection method: clinical testing. Allele origin: germline. Affected: yes.
Comment: In silico analysis supports that this missense variant has a deleterious effect on protein structure/function; Has not been previously published as pathogenic or benign to our knowledge

NM_001244008.2(KIF1A):c.4279G>A (p.Glu1427Lys)

Gene: KIF1A (kinesin family member 1A; minus strand). Cytogenetic location: 2q37.3.
Variant type: single nucleotide variant.
Coding change: c.4279G>A on transcript NM_001244008.2 (MANE Select); coding-DNA position 4279, G replaced by A.
Protein change: p.Glu1427Lys; replaces glutamic acid 1427 with lysine.
Molecular consequence: missense variant.
Genome position (GRCh38, 1-based): chr2:240,724,014, C>T on the plus strand (G>A on the coding strand, the complement: KIF1A is on the minus strand). VCF-style: chr2-240724014-C-T. GRCh37 (hg19) VCF-style: chr2-241663431-C-T.
Other names: c.4003G>A, p.Glu1335Lys (NM_001320705.2, NM_001379649.1); c.4030G>A, p.Glu1344Lys (NM_001330289.2); c.4078G>A, p.Glu1360Lys (NM_001330290.2, NM_001379648.1); c.4354G>A, p.Glu1452Lys (NM_001379631.1); c.4255G>A, p.Glu1419Lys (NM_001379632.1); c.4252G>A, p.Glu1418Lys (NM_001379633.1, NM_001379645.1); c.4105G>A, p.Glu1369Lys (NM_001379634.1); c.4102G>A, p.Glu1368Lys (NM_001379635.1, NM_001379646.1); and 7 more; short protein forms E1325K, E1326K, E1334K, E1335K, E1343K, E1344K, E1351K, E1360K.
Identifiers: ClinVar variation 3372082 (VCV003372082.1).